The following is an entry in ClinVar:

NM_138694.4(PKHD1):c.778+1del

Gene: PKHD1 (PKHD1 ciliary IPT domain containing fibrocystin/polyductin; minus strand). Cytogenetic location: 6p12.2.
Variant type: Deletion.
Coding change: c.778+1del on transcript NM_138694.4 (MANE Select); the canonical splice donor site of the intron after coding-DNA position 778, one base deleted (G; older notation c.778+1delG).
Molecular consequence: splice donor variant.
Genome position (GRCh38, 1-based): chr6:52,069,456, C deleted on the plus strand (G on the coding strand, the reverse complement: PKHD1 is on the minus strand); the first of 2 consecutive C bases (chr6:52,069,456-52,069,457); deleting either gives the same sequence. VCF-style (leftmost placement, unchanged base first): chr6-52069455-AC-A. GRCh37 (hg19) VCF-style: chr6-51934253-AC-A.
Other names: c.778+1del (NM_170724.3).
Identifiers: ClinVar variation 4816753 (VCV004816753.1).

ClinVar aggregate classification (germline): Likely pathogenic (1 of 4 stars; one submission).

Conditions:
Autosomal recessive polycystic kidney disease (ARPKD). Also called: AR polycystic kidney disease. Identifiers: Orphanet 731, Orphanet 8378, MedGen C0085548, MeSH D017044, MONDO:0009889.

Submission:

Natera, Inc.
Classification: Likely pathogenic for Autosomal recessive polycystic kidney disease. Last evaluated: 2024-11-03. Review status: criteria provided, single submitter. Criteria: Natera Variant Classification Schema (03/2026). Collection method: clinical testing. Allele origin: germline.
Comment: The c.778+1del variant in PKHD1 is a canonical splice donor site variant predicted to affect pre-mRNA splicing, which may result in an abnormal transcript and altered protein product. This variant is expected to result in nonsense mediated decay, truncation, or a dysfunctional protein product. This variant is rare in the general population with a frequency below the threshold expected for the associated phenotype(s). Given the available evidence, this variant is classified as Likely Pathogenic.